The following is an entry in ClinVar:

ClinVar aggregate classification (germline): Uncertain significance. Review status: criteria provided, multiple submitters, no conflicts (2 of 4 stars). 2 submissions from 2 submitters: Uncertain significance (2). Last evaluated 2025-05-02.

Conditions:
Inborn genetic diseases. Identifiers: MedGen C0950123, MeSH D030342.

gnomAD v4.1: 4 of 1,614,208 alleles (0.00025%); highest among the groups gnomAD compares: East Asian, 0.0089%; no homozygotes.

Submissions (2):

Labcorp Genetics (formerly Invitae), Labcorp
Classification: Uncertain significance. Last evaluated: 2025-05-02. Review status: criteria provided, single submitter. Criteria: Invitae Variant Classification Sherloc (09022015). Collection method: clinical testing. Allele origin: germline.
Comment: This sequence change replaces leucine, which is neutral and non-polar, with methionine, which is neutral and non-polar, at codon 1205 of the CACNA1D protein (p.Leu1205Met). This variant is present in population databases (rs781143092, gnomAD 0.02%). This variant has not been reported in the literature in individuals affected with CACNA1D-related conditions. ClinVar contains an entry for this variant (Variation ID: 3483971). Invitae Evidence Modeling of protein sequence and biophysical properties (such as structural, functional, and spatial information, amino acid conservation, physicochemical variation, residue mobility, and thermodynamic stability) indicates that this missense variant is not expected to disrupt CACNA1D protein function with a negative predictive value of 80%. In summary, the available evidence is currently insufficient to determine the role of this variant in disease. Therefore, it has been classified as a Variant of Uncertain Significance.

Ambry Genetics
Classification: Uncertain significance for Inborn genetic diseases. Last evaluated: 2024-08-01. Review status: criteria provided, single submitter. Criteria: Ambry Variant Classification Scheme 2023. Collection method: clinical testing. Allele origin: germline.

NM_001128840.3(CACNA1D):c.3553T>A (p.Leu1185Met)

Gene: CACNA1D (calcium voltage-gated channel subunit alpha1 D; plus strand). Cytogenetic location: 3p21.1.
Variant type: single nucleotide variant.
Coding change: c.3553T>A on transcript NM_001128840.3 (MANE Select); coding-DNA position 3553, T replaced by A.
Protein change: p.Leu1185Met; replaces leucine 1185 with methionine.
Molecular consequence: missense variant.
Genome position (GRCh38, 1-based): chr3:53,751,785, T>A. VCF-style: chr3-53751785-T-A. GRCh37 (hg19) VCF-style: chr3-53785812-T-A.
Other names: c.3613T>A, p.Leu1205Met (NM_000720.4); c.3553T>A, p.Leu1185Met (NM_001128839.3); short protein forms L1205M, L1185M.
Identifiers: ClinVar variation 3483971 (VCV003483971.3).